The following is an entry in ClinVar:

NM_000257.4(MYH7):c.1785GAA[1] (p.Lys596del)

Gene: MYH7 (myosin heavy chain 7; minus strand). Cytogenetic location: 14q11.2.
Variant type: Microsatellite.
Coding change: c.1785GAA[1] on transcript NM_000257.4 (MANE Select); one copy of the 3-base unit GAA starting at c.1785; the reference has two copies in a row; one copy, 3 bases deleted; also written c.1788_1790del.
Protein change: p.Lys596del; deletes lysine 596.
Molecular consequence: inframe deletion. On other transcripts: inframe indel (2).
Genome position (GRCh38, 1-based): chr14:23,427,683-23,427,685, TTC deleted on the plus strand (GAA on the coding strand, the reverse complement: MYH7 is on the minus strand); deleting any 3 consecutive bases within chr14:23,427,683-23,427,689 gives the same sequence; the position shown is the placement nearest the transcript's 3' end. VCF-style (leftmost placement, unchanged base first): chr14-23427682-GTTC-G. GRCh37 (hg19) VCF-style: chr14-23896891-GTTC-G.
Other names: c.1788_1790del (NM_000257.2); c.1784_1786AGA[1], p.Lys596del (NM_000257.2, NM_001407004.1); c.1788_1790delGAA (NM_000257.4); short protein forms K596del.
Identifiers: ClinVar variation 1780117 (VCV001780117.7), dbSNP rs2502296699, ClinGen allele CA2580616565.

ClinVar aggregate classification (germline): Uncertain significance. Review status: criteria provided, multiple submitters, no conflicts (2 of 4 stars). 3 submissions from 3 submitters: Uncertain significance (3). Last evaluated 2025-04-21.

Conditions:
Cardiovascular phenotype. Identifiers: MedGen CN230736.
Hypertrophic cardiomyopathy. Also called: HYPERTROPHIC MYOCARDIOPATHY. Identifiers: Orphanet 217569, MedGen C0007194, MeSH D002312, MONDO:0005045, HP:0001639.

Submissions (3):

Ambry Genetics
Classification: Uncertain significance for Cardiovascular phenotype. Last evaluated: 2025-04-21. Review status: criteria provided, single submitter. Criteria: Ambry Variant Classification Scheme 2023. Collection method: clinical testing. Allele origin: germline.
Comment: The c.1788_1790delGAA variant (also known as p.K596del) is located in coding exon 14 of the MYH7 gene. This variant results from an in-frame GAA deletion at nucleotide positions 1788 to 1790. This results in the in-frame deletion of a lysine at codon 596. This amino acid position is highly conserved in available vertebrate species. In addition, this alteration is predicted to be deleterious by in silico analysis (Choi Y et al. PLoS ONE. 2012; 7(10):e46688). Based on the available evidence, the clinical significance of this variant remains unclear.

Labcorp Genetics (formerly Invitae), Labcorp
Classification: Uncertain significance for Hypertrophic cardiomyopathy. Last evaluated: 2023-03-07. Review status: criteria provided, single submitter. Criteria: Invitae Variant Classification Sherloc (09022015). Collection method: clinical testing. Allele origin: germline.
Comment: In summary, the available evidence is currently insufficient to determine the role of this variant in disease. Therefore, it has been classified as a Variant of Uncertain Significance. This variant, c.1788_1790del, results in the deletion of 1 amino acid(s) of the MYH7 protein (p.Lys596del), but otherwise preserves the integrity of the reading frame. This variant is not present in population databases (gnomAD no frequency). This variant has not been reported in the literature in individuals affected with MYH7-related conditions. Experimental studies and prediction algorithms are not available or were not evaluated, and the functional significance of this variant is currently unknown. This variant disrupts the p.Lys596 amino acid residue in MYH7. Other variant(s) that disrupt this residue have been observed in individuals with MYH7-related conditions (Invitae), which suggests that this may be a clinically significant amino acid residue.

GeneDx
Classification: Uncertain significance. Last evaluated: 2022-12-19. Review status: criteria provided, single submitter. Criteria: GeneDx Variant Classification Process June 2021. Collection method: clinical testing. Allele origin: germline. Affected: yes.
Comment: In-frame insertion of 1 amino acid in a non-repeat region; Not observed at significant frequency in large population cohorts (gnomAD); In silico analysis supports a deleterious effect on protein structure/function; Has not been previously published as pathogenic or benign to our knowledge; This variant is associated with the following publications: (PMID: 27532257, 29300372)